The following is an entry in ClinVar:

ClinVar aggregate classification (germline): Likely benign (1 of 4 stars; one submission).

Conditions:
PLXNA1-related disorder. Also called: PLXNA1-related condition.

gnomAD v4.1: 37 of 1,610,480 alleles (0.0023%); highest among the groups gnomAD compares: East Asian, 0.0045%; no homozygotes.

Submission:

PreventionGenetics, part of Exact Sciences
Classification: Likely benign for PLXNA1-related condition. Last evaluated: 2025-07-16. Review status: criteria provided, single submitter. Criteria: ACMG Guidelines, 2015. Collection method: clinical testing. Allele origin: germline.
Comment: This variant is classified as likely benign based on ACMG/AMP sequence variant interpretation guidelines (Richards et al. 2015 PMID: 25741868, with internal and published modifications).

NM_032242.4(PLXNA1):c.2985G>A (p.Ser995=)

Genes: PLXNA1 (plexin A1; plus strand), LOC129937476 (ATAC-STARR-seq lymphoblastoid active region 20450; plus strand). Cytogenetic location: 3q21.3.
Variant type: single nucleotide variant.
Coding change: c.2985G>A on transcript NM_032242.4 (MANE Select); coding-DNA position 2985, G replaced by A.
Protein change: p.Ser995=; no amino-acid change (serine 995 retained).
Molecular consequence: synonymous variant.
Genome position (GRCh38, 1-based): chr3:127,015,291, G>A. VCF-style: chr3-127015291-G-A. GRCh37 (hg19) VCF-style: chr3-126734134-G-A.
Identifiers: ClinVar variation 4988123 (VCV004988123.1).